The following is an entry in ClinVar:

NM_013432.5(TONSL):c.3269T>G (p.Leu1090Arg)

Gene: TONSL (tonsoku like, DNA repair protein; minus strand). Cytogenetic location: 8q24.3.
Variant type: single nucleotide variant.
Coding change: c.3269T>G on transcript NM_013432.5 (MANE Select); coding-DNA position 3269, T replaced by G.
Protein change: p.Leu1090Arg; replaces leucine 1090 with arginine.
Molecular consequence: missense variant.
Genome position (GRCh38, 1-based): chr8:144,434,096, A>C on the plus strand (T>G on the coding strand, the complement: TONSL is on the minus strand). VCF-style: chr8-144434096-A-C. GRCh37 (hg19) VCF-style: chr8-145659479-A-C.
Other names: short protein forms L1090R.
Identifiers: ClinVar variation 3352632 (VCV003352632.3).

ClinVar aggregate classification (germline): Uncertain significance. Review status: criteria provided, single submitter (1 of 4 stars). 2 submissions from 2 submitters: Uncertain significance (1). 1 of the submissions does not count toward it. Last evaluated 2026-01-11.

Conditions:
TONSL-related disorder. Also called: TONSL-related condition.

gnomAD v4.1: 36 of 1,612,336 alleles (0.0022%); highest among the groups gnomAD compares: Non-Finnish European, 0.0028%; no homozygotes.

Submissions (2):

Labcorp Genetics (formerly Invitae), Labcorp
Classification: Uncertain significance. Last evaluated: 2026-01-11. Review status: criteria provided, single submitter. Criteria: Invitae Variant Classification Sherloc (09022015). Collection method: clinical testing. Allele origin: germline.
Comment: This sequence change replaces leucine, which is neutral and non-polar, with arginine, which is basic and polar, at codon 1090 of the TONSL protein (p.Leu1090Arg). This variant is present in population databases (rs137933176, gnomAD 0.007%). This missense change has been observed in individual(s) with sponastrime dysplasia (PMID: 32959051). ClinVar contains an entry for this variant (Variation ID: 3352632). Invitae Evidence Modeling of protein sequence and biophysical properties (such as structural, functional, and spatial information, amino acid conservation, physicochemical variation, residue mobility, and thermodynamic stability) indicates that this missense variant is expected to disrupt TONSL protein function with a positive predictive value of 80%. In summary, the available evidence is currently insufficient to determine the role of this variant in disease. Therefore, it has been classified as a Variant of Uncertain Significance.

PreventionGenetics, part of Exact Sciences
Classification: Uncertain significance for TONSL-related condition. Last evaluated: 2024-07-18. Review status: no assertion criteria provided. Collection method: clinical testing. Allele origin: germline. Not counted in ClinVar's aggregate classification.
Comment: The TONSL c.3269T>G variant is predicted to result in the amino acid substitution p.Leu1090Arg. This variant in the compound heterozygous condition has been reported in an individual with sponastrime type spondyloepimetaphyseal dysplasia (Micale et al. 2020. PubMed ID: 32959051). This variant is reported in 0.0064% of alleles in individuals of African descent in gnomAD. This variant could be pathogenic. At this time, the clinical significance of this variant is uncertain due to the absence of conclusive functional and genetic evidence.

Literature cited by the submitters: PubMed 32959051 (cited by Labcorp Genetics (formerly Invitae), Labcorp).